The following is an entry in ClinVar:

NM_002439.5(MSH3):c.1052A>C (p.Asp351Ala)

Gene: MSH3 (mutS homolog 3; plus strand). Cytogenetic location: 5q14.1.
Variant type: single nucleotide variant.
Coding change: c.1052A>C on transcript NM_002439.5 (MANE Select); coding-DNA position 1052, A replaced by C.
Protein change: p.Asp351Ala; replaces aspartic acid 351 with alanine.
Molecular consequence: missense variant.
Genome position (GRCh38, 1-based): chr5:80,675,007, A>C. VCF-style: chr5-80675007-A-C. GRCh37 (hg19) VCF-style: chr5-79970826-A-C.
Other names: short protein forms D351A.
Identifiers: ClinVar variation 3641828 (VCV003641828.2).
Genomic context (GRCh38, chr5:80,675,007, plus strand): 5'-TTTAGCATATAATTATTTTTCTTTAATTATTATTAAATGTGAATCCCCTAATCAAGCTGG[A>C]TGATGCTGTAAATGTTGATGAGATAATGACTGATACTTCTACCAGCTATCTTCTGTGCAT-3'
Protein context (NP_002430.3, residues 341-361): GEDVNPLIKL[Asp351Ala]DAVNVDEIMT

ClinVar aggregate classification (germline): Uncertain significance (1 of 4 stars; one submission).

Submission:

Labcorp Genetics (formerly Invitae), Labcorp
Classification: Uncertain significance. Last evaluated: 2024-02-18. Review status: criteria provided, single submitter. Criteria: Invitae Variant Classification Sherloc (09022015). Collection method: clinical testing. Allele origin: germline.
Comment: This sequence change replaces aspartic acid, which is acidic and polar, with alanine, which is neutral and non-polar, at codon 351 of the MSH3 protein (p.Asp351Ala). This variant is not present in population databases (gnomAD no frequency). This variant has not been reported in the literature in individuals affected with MSH3-related conditions. An algorithm developed to predict the effect of missense changes on protein structure and function (PolyPhen-2) suggests that this variant is likely to be tolerated. In summary, the available evidence is currently insufficient to determine the role of this variant in disease. Therefore, it has been classified as a Variant of Uncertain Significance.